The following is an entry in ClinVar:

ClinVar aggregate classification (germline): Pathogenic. Review status: criteria provided, multiple submitters, no conflicts (2 of 4 stars). 3 submissions from 3 submitters: Pathogenic (3). Last evaluated 2024-12-13.

Conditions:
Breast-ovarian cancer, familial, susceptibility to, 2 (BROVCA2). Also called: BRCA2 Hereditary Breast and Ovarian Cancer. Identifiers: Orphanet 145, MedGen C2675520, MONDO:0012933, OMIM 612555. Disease mechanism: loss of function.
Hereditary breast ovarian cancer syndrome. Also called: BRCA1- and BRCA2-Associated Hereditary Breast and Ovarian Cancer; Hereditary breast and ovarian cancer; Hereditary breast and ovarian cancer syndrome (HBOC); Breast and ovarian cancer; Hereditary breast and ovarian cancer syndrome; Hereditary breast and/or ovarian cancer syndrome. Identifiers: Orphanet 145, MedGen C0677776, MeSH D061325, MONDO:0003582. Disease mechanism: loss of function.

Submissions (3):

Myriad Genetics, Inc.
Classification: Pathogenic for Breast-ovarian cancer, familial, susceptibility to, 2. Last evaluated: 2024-12-13. Review status: criteria provided, single submitter. Criteria: Myriad Autosomal Dominant, Autosomal Recessive and X-Linked Classification Criteria (2023). Collection method: clinical testing. Allele origin: unknown.
Comment: This variant is considered pathogenic. This variant creates a termination codon and is predicted to result in premature protein truncation.

Women's Health and Genetics/Laboratory Corporation of America, LabCorp
Classification: Pathogenic for Hereditary breast ovarian cancer syndrome. Last evaluated: 2024-02-12. Review status: criteria provided, single submitter. Criteria: LabCorp Variant Classification Summary - May 2015. Collection method: clinical testing. Allele origin: germline.
Comment: Variant summary: BRCA2 c.3125T>G (p.Leu1042X) results in a premature termination codon, predicted to cause absence of the protein due to nonsense mediated decay, which is a commonly known mechanism for disease. The variant was absent in 248004 control chromosomes. To our knowledge, no occurrence of c.3125T>G in individuals affected with Hereditary Breast And Ovarian Cancer Syndrome and no experimental evidence demonstrating its impact on protein function have been reported. ClinVar contains an entry for this variant (Variation ID: 2078398). Based on the evidence outlined above, the variant was classified as pathogenic.

Labcorp Genetics (formerly Invitae), Labcorp
Classification: Pathogenic for Hereditary breast ovarian cancer syndrome. Last evaluated: 2022-01-11. Review status: criteria provided, single submitter. Criteria: Invitae Variant Classification Sherloc (09022015). Collection method: clinical testing. Allele origin: germline.
Comment: For these reasons, this variant has been classified as Pathogenic. This variant has not been reported in the literature in individuals affected with BRCA2-related conditions. This variant is not present in population databases (gnomAD no frequency). This sequence change creates a premature translational stop signal (p.Leu1042*) in the BRCA2 gene. It is expected to result in an absent or disrupted protein product. Loss-of-function variants in BRCA2 are known to be pathogenic (PMID: 20104584).

Literature cited by the submitters: PubMed 20104584 (cited by Labcorp Genetics (formerly Invitae), Labcorp).

NM_000059.4(BRCA2):c.3125T>G (p.Leu1042Ter)

Gene: BRCA2 (BRCA2 DNA repair associated; plus strand). Cytogenetic location: 13q13.1.
Variant type: single nucleotide variant.
Coding change: c.3125T>G on transcript NM_000059.4 (MANE Select); coding-DNA position 3125, T replaced by G.
Protein change: p.Leu1042Ter; replaces leucine 1042 with a stop codon.
Molecular consequence: nonsense.
Genome position (GRCh38, 1-based): chr13:32,337,480, T>G. VCF-style: chr13-32337480-T-G. GRCh37 (hg19) VCF-style: chr13-32911617-T-G.
Other names: c.3125T>G, p.Leu1042Ter (NM_001406719.1, NM_001406720.1); short protein forms L1042*.
Identifiers: ClinVar variation 2078398 (VCV002078398.7), dbSNP rs1593898642, ClinGen allele CA387775713.